The following is an entry in ClinVar:

ClinVar aggregate classification (germline): Uncertain significance (1 of 4 stars; one submission).

Conditions:
Hereditary pancreatitis (PCTT). Also called: Hereditary chronic pancreatitis; PRSS1-Related Hereditary Pancreatitis. Identifiers: Orphanet 676, MedGen C0238339, MONDO:0008185, OMIM 167800.

gnomAD v4.1: 4 of 1,614,060 alleles (0.00025%); highest among the groups gnomAD compares: Non-Finnish European, 0.00025%; no homozygotes.

Submission:

Ambry Genetics
Classification: Uncertain significance for Hereditary pancreatitis. Last evaluated: 2024-05-23. Review status: criteria provided, single submitter. Criteria: Ambry Variant Classification Scheme 2023. Collection method: clinical testing. Allele origin: germline.
Comment: The p.D115G variant (also known as c.344A>G), located in coding exon 3 of the CPA1 gene, results from an A to G substitution at nucleotide position 344. The aspartic acid at codon 115 is replaced by glycine, an amino acid with similar properties. This amino acid position is conserved. In addition, this alteration is predicted to be tolerated by in silico analysis. Based on the available evidence, the clinical significance of this variant remains unclear.

NM_001868.4(CPA1):c.344A>G (p.Asp115Gly)

Gene: CPA1 (carboxypeptidase A1; plus strand). Cytogenetic location: 7q32.2.
Variant type: single nucleotide variant.
Coding change: c.344A>G on transcript NM_001868.4 (MANE Select); coding-DNA position 344, A replaced by G.
Protein change: p.Asp115Gly; replaces aspartic acid 115 with glycine.
Molecular consequence: missense variant.
Genome position (GRCh38, 1-based): chr7:130,381,826, A>G. VCF-style: chr7-130381826-A-G. GRCh37 (hg19) VCF-style: chr7-130021667-A-G.
Other names: short protein forms D115G.
Identifiers: ClinVar variation 3269099 (VCV003269099.1).